The following is an entry in ClinVar:

ClinVar aggregate classification (germline): Likely benign. Review status: criteria provided, multiple submitters, no conflicts (2 of 4 stars). 3 submissions from 3 submitters: Likely benign (2). 1 of the submissions does not count toward it. Last evaluated 2025-12-30.

Conditions:
Cognitive impairment - coarse facies - heart defects - obesity - pulmonary involvement - short stature - skeletal dysplasia syndrome. Also called: Chops syndrome; AFF4-Related CHOPS Syndrome; COGNITIVE IMPAIRMENT, COARSE FACIES, HEART DEFECTS, OBESITY, PULMONARY INVOLVEMENT, SHORT STATURE, AND SKELETAL DYSPLASIA. Identifiers: Orphanet 444077, MedGen C4085597, MONDO:0014609, OMIM 616368.
AFF4-related disorder. Also called: AFF4-related condition.

Allele frequency attached by ClinVar (database versions not stated): gnomAD exomes 0.00002; ESP Exome Variant Server 0.00008; ExAC 0.00012; gnomAD 0.00023; TOPMed 0.00029.
gnomAD v4.1: 68 of 1,614,008 alleles (0.0042%); highest among the groups gnomAD compares: African/African-American, 0.072%; no homozygotes.

Submissions (3):

Women's Health and Genetics/Laboratory Corporation of America, LabCorp
Classification: Likely benign. Last evaluated: 2025-12-30. Review status: criteria provided, single submitter. Criteria: LabCorp Variant Classification Summary - May 2015. Collection method: clinical testing. Allele origin: germline.
Comment: Variant summary: AFF4 c.521C>G (p.Ser174Cys) results in a non-conservative amino acid change in the encoded protein sequence. Algorithms developed to predict the effect of missense changes on protein structure and function are either unavailable or do not agree on the potential impact of this missense change. The variant allele was found at a frequency of 8.7e-05 in 251468 control chromosomes, predominantly at a frequency of 0.00086 within the African or African-American subpopulation in the gnomAD database. The observed variant frequency exceeds the estimated maximal expected allele frequency for disease-causing variants in AFF4. To our knowledge, no occurrence of c.521C>G in individuals affected with AFF4-related conditions and no experimental evidence demonstrating its impact on protein function have been reported. ClinVar contains an entry for this variant (Variation ID: 2073316). Based on the evidence outlined above, the variant was classified as likely benign.

Labcorp Genetics (formerly Invitae), Labcorp
Classification: Likely benign for Cognitive impairment - coarse facies - heart defects - obesity - pulmonary involvement - short stature - skeletal dysplasia syndrome. Last evaluated: 2025-09-05. Review status: criteria provided, single submitter. Criteria: Invitae Variant Classification Sherloc (09022015). Collection method: clinical testing. Allele origin: germline.

PreventionGenetics, part of Exact Sciences
Classification: Likely benign for AFF4-related condition. Last evaluated: 2022-03-21. Review status: no assertion criteria provided. Collection method: clinical testing. Allele origin: germline. Not counted in ClinVar's aggregate classification.
Comment: This variant is classified as likely benign based on ACMG/AMP sequence variant interpretation guidelines (Richards et al. 2015 PMID: 25741868, with internal and published modifications).

NM_014423.4(AFF4):c.521C>G (p.Ser174Cys)

Gene: AFF4 (ALF transcription elongation factor 4; minus strand). Cytogenetic location: 5q31.1.
Variant type: single nucleotide variant.
Coding change: c.521C>G on transcript NM_014423.4 (MANE Select); coding-DNA position 521, C replaced by G.
Protein change: p.Ser174Cys; replaces serine 174 with cysteine.
Molecular consequence: missense variant.
Genome position (GRCh38, 1-based): chr5:132,934,544, G>C on the plus strand (C>G on the coding strand, the complement: AFF4 is on the minus strand). VCF-style: chr5-132934544-G-C. GRCh37 (hg19) VCF-style: chr5-132270236-G-C.
Other names: c.521C>G (NM_014423.3); short protein forms S174C.
Identifiers: ClinVar variation 2073316 (VCV002073316.7), dbSNP rs138207289, ClinGen allele CA3409416.